The following is an entry in ClinVar:

ClinVar aggregate classification (germline): Pathogenic (1 of 4 stars; one submission).

Submission:

GeneDx
Classification: Pathogenic. Last evaluated: 2018-07-18. Review status: criteria provided, single submitter. Criteria: GeneDx Variant Classification (06012015). Collection method: clinical testing. Allele origin: germline. Affected: yes.
Comment: The S357X variant in the AHI1 gene has not been reported previously as a pathogenic variant nor as a benign variant, to our knowledge. This variant is predicted to cause loss of normal protein function either through protein truncation or nonsense-mediated mRNA decay. The S357X variant is not observed in large population cohorts (Lek et al., 2016). We interpret S357X as a pathogenic variant.

NM_001134831.2(AHI1):c.1070C>G (p.Ser357Ter)

Gene: AHI1 (Abelson helper integration site 1; minus strand). Cytogenetic location: 6q23.3.
Variant type: single nucleotide variant.
Coding change: c.1070C>G on transcript NM_001134831.2 (MANE Select); coding-DNA position 1070, C replaced by G.
Protein change: p.Ser357Ter; replaces serine 357 with a stop codon.
Molecular consequence: nonsense.
Genome position (GRCh38, 1-based): chr6:135,457,575, G>C on the plus strand (C>G on the coding strand, the complement: AHI1 is on the minus strand). VCF-style: chr6-135457575-G-C. GRCh37 (hg19) VCF-style: chr6-135778713-G-C.
Other names: c.1070C>G, p.Ser357Ter (NM_001134830.2, NM_001134832.2, NM_001350503.2 and 2 more transcripts); short protein forms S357*.
Identifiers: ClinVar variation 620264 (VCV000620264.1), dbSNP rs1562219266, ClinGen allele CA365747748.
Genomic context (GRCh38, chr6:135,457,575, plus strand): 5'-TGACCAGTATGCTCATCAACCACATGAATTTTTACCATTGGGTGAGAAATCATAAAATCT[G>C]ACTTAAGTCTATCAGTTCGGTGAATGTAAACTCCCAAGACAAGGTCATCATCAAGCAAAC-3'